The following is an entry in ClinVar:

NM_001376.5(DYNC1H1):c.345-3T>G

Gene: DYNC1H1 (dynein cytoplasmic 1 heavy chain 1; plus strand). Cytogenetic location: 14q32.31.
Variant type: single nucleotide variant.
Coding change: c.345-3T>G on transcript NM_001376.5 (MANE Select); 3 bases into the intron before coding-DNA position 345, T replaced by G.
Molecular consequence: intron variant.
Genome position (GRCh38, 1-based): chr14:101,979,316, T>G. VCF-style: chr14-101979316-T-G. GRCh37 (hg19) VCF-style: chr14-102445653-T-G.
Identifiers: ClinVar variation 408976 (VCV000408976.9), dbSNP rs1060502203, ClinGen allele CA16614025.

ClinVar aggregate classification (germline): Uncertain significance. Review status: criteria provided, multiple submitters, no conflicts (2 of 4 stars). 2 submissions from 2 submitters: Uncertain significance (2). Last evaluated 2025-05-19.

Conditions:
DYNC1H1-related disorder. Also called: DYNC1H1-related condition; DYNC1H1-related disorders. Identifiers: MedGen CN381529.
Charcot-Marie-Tooth disease axonal type 2O. Also called: Charcot-Marie-Tooth disease, axonal, type 20; Charcot-Marie-Tooth Neuropathy Type 2O; CHARCOT-MARIE-TOOTH NEUROPATHY, AXONAL, TYPE 2O; CHARCOT-MARIE-TOOTH DISEASE, AXONAL, AUTOSOMAL DOMINANT, TYPE 2O. Identifiers: Orphanet 284232, MedGen C3280220, MONDO:0013644, OMIM 614228.

Allele frequency attached by ClinVar (database versions not stated): gnomAD 0.00001.
gnomAD v4.1: 1 of 1,613,982 alleles (0.000062%); highest among the groups gnomAD compares: Non-Finnish European, 0.000085%; no homozygotes.

Submissions (2):

PreventionGenetics, part of Exact Sciences
Classification: Uncertain significance for DYNC1H1-related condition. Last evaluated: 2025-05-19. Review status: criteria provided, single submitter. Criteria: ACMG Guidelines, 2015. Collection method: clinical testing. Allele origin: germline.
Comment: The DYNC1H1 c.345-3T>G variant is predicted to interfere with splicing. This variant is predicted to impact splicing based on a splicing prediction program (SpliceAI, Jaganathan K, et al. 2019. PubMed ID: 30661751). To our knowledge, this variant has not been reported in the literature. This variant is reported in 0.0065% of alleles in individuals of European (Non-Finnish) descent in gnomAD. At this time, the clinical significance of this variant is uncertain due to the absence of conclusive functional and genetic evidence.

Labcorp Genetics (formerly Invitae), Labcorp
Classification: Uncertain significance for Charcot-Marie-Tooth disease axonal type 2O. Last evaluated: 2025-01-14. Review status: criteria provided, single submitter. Criteria: Invitae Variant Classification Sherloc (09022015). Collection method: clinical testing. Allele origin: germline.
Comment: This sequence change falls in intron 2 of the DYNC1H1 gene. It does not directly change the encoded amino acid sequence of the DYNC1H1 protein. It affects a nucleotide within the consensus splice site. This variant is not present in population databases (gnomAD no frequency). This variant has not been reported in the literature in individuals affected with DYNC1H1-related conditions. ClinVar contains an entry for this variant (Variation ID: 408976). Variants that disrupt the consensus splice site are a relatively common cause of aberrant splicing (PMID: 17576681, 9536098). Algorithms developed to predict the effect of sequence changes on RNA splicing suggest that this variant may disrupt the consensus splice site. In summary, the available evidence is currently insufficient to determine the role of this variant in disease. Therefore, it has been classified as a Variant of Uncertain Significance.

Literature cited by the submitters: PubMed 17576681 (cited by Labcorp Genetics (formerly Invitae), Labcorp); PubMed 9536098 (cited by Labcorp Genetics (formerly Invitae), Labcorp).